The following is an entry in ClinVar:

ClinVar aggregate classification (germline): Likely pathogenic (1 of 4 stars; one submission).

Conditions:
Xeroderma pigmentosum, group F (XPF). Also called: XERODERMA PIGMENTOSUM, COMPLEMENTATION GROUP F; XERODERMA PIGMENTOSUM VI; XP, GROUP F; ERCC4-Related Xeroderma Pigmentosum; XERODERMA PIGMENTOSUM, TYPE F; Xeroderma pigmentosum, type 6. Identifiers: MedGen C0268140, MONDO:0010215, OMIM 278760.
Fanconi anemia complementation group Q. Identifiers: Orphanet 84, MedGen C3808988, MONDO:0014108, OMIM 615272.
Cockayne syndrome. Identifiers: Orphanet 191, MedGen C0009207, MONDO:0016006.

Submission:

Labcorp Genetics (formerly Invitae), Labcorp
Classification: Likely pathogenic for Fanconi anemia complementation group Q; Xeroderma pigmentosum, group F; Cockayne syndrome. Last evaluated: 2024-03-02. Review status: criteria provided, single submitter. Criteria: Invitae Variant Classification Sherloc (09022015). Collection method: clinical testing. Allele origin: germline.
Comment: This sequence change affects a donor splice site in intron 4 of the ERCC4 gene. It is expected to disrupt RNA splicing. Variants that disrupt the donor or acceptor splice site typically lead to a loss of protein function (PMID: 16199547), and loss-of-function variants in ERCC4 are known to be pathogenic (PMID: 9580660). This variant is not present in population databases (gnomAD no frequency). This variant has not been reported in the literature in individuals affected with ERCC4-related conditions. Algorithms developed to predict the effect of sequence changes on RNA splicing suggest that this variant may disrupt the consensus splice site. In summary, the currently available evidence indicates that the variant is pathogenic, but additional data are needed to prove that conclusively. Therefore, this variant has been classified as Likely Pathogenic.

Literature cited by the submitters: PubMed 16199547; PubMed 9580660.

NM_005236.3(ERCC4):c.792+1G>A

Gene: ERCC4 (ERCC excision repair 4, endonuclease catalytic subunit; plus strand). Cytogenetic location: 16p13.12.
Variant type: single nucleotide variant.
Coding change: c.792+1G>A on transcript NM_005236.3 (MANE Select); the canonical splice donor site of the intron after coding-DNA position 792, G replaced by A.
Molecular consequence: splice donor variant.
Genome position (GRCh38, 1-based): chr16:13,928,236, G>A. VCF-style: chr16-13928236-G-A. GRCh37 (hg19) VCF-style: chr16-14022093-G-A.
Identifiers: ClinVar variation 3758035 (VCV003758035.2).